The following is an entry in ClinVar:

NM_024120.5(NDUFAF5):c.375+16A>G

Gene: NDUFAF5 (NADH:ubiquinone oxidoreductase complex assembly factor 5; plus strand). Cytogenetic location: 20p12.1.
Variant type: single nucleotide variant.
Coding change: c.375+16A>G on transcript NM_024120.5 (MANE Select); 16 bases into the intron after coding-DNA position 375, A replaced by G.
Molecular consequence: intron variant.
Genome position (GRCh38, 1-based): chr20:13,793,243, A>G. VCF-style: chr20-13793243-A-G. GRCh37 (hg19) VCF-style: chr20-13773889-A-G.
Other names: c.-187+16A>G (NM_001352407.2, NM_001352406.2); c.395+16A>G (NM_001039375.3); c.8+16A>G (NM_001352403.2); c.375+16A>G (NM_001352408.2).
Identifiers: ClinVar variation 377596 (VCV000377596.10), dbSNP rs183892859, ClinGen allele CA9767731.

ClinVar aggregate classification (germline): Benign/Likely benign. Review status: criteria provided, multiple submitters, no conflicts (2 of 4 stars). 3 submissions from 3 submitters: Benign (1); Likely benign (2). Last evaluated 2026-01-20.

Allele frequency attached by ClinVar (database versions not stated): gnomAD 0.00015 and 0.00030; TOPMed 0.00020; ESP Exome Variant Server 0.00023; gnomAD exomes 0.00041 and 0.00065; 1000 Genomes Project 0.00160; ExAC 0.00068; 1000 Genomes Project 30x 0.00125.
gnomAD v4.1: 634 of 1,599,908 alleles (0.04%); highest among the groups gnomAD compares: South Asian, 0.36%; no homozygotes.

Submissions (3):

Labcorp Genetics (formerly Invitae), Labcorp
Classification: Benign. Last evaluated: 2026-01-20. Review status: criteria provided, single submitter. Criteria: Invitae Variant Classification Sherloc (09022015). Collection method: clinical testing. Allele origin: germline.

Blueprint Genetics
Classification: Likely benign. Last evaluated: 2024-11-26. Review status: criteria provided, single submitter. Criteria: ACMG Guidelines, 2015. Collection method: clinical testing. Allele origin: germline.

GeneDx
Classification: Likely benign. Last evaluated: 2017-06-12. Review status: criteria provided, single submitter. Criteria: GeneDx Variant Classification (06012015). Collection method: clinical testing. Allele origin: germline. Affected: yes.
Comment: This variant is considered likely benign or benign based on one or more of the following criteria: it is a conservative change, it occurs at a poorly conserved position in the protein, it is predicted to be benign by multiple in silico algorithms, and/or has population frequency not consistent with disease.